The following is an entry in ClinVar:

ClinVar aggregate classification (germline): Benign/Likely benign. Review status: criteria provided, multiple submitters, no conflicts (2 of 4 stars). 3 submissions from 3 submitters: Benign (2); Likely benign (1). Last evaluated 2026-01-30.

Conditions:
Hereditary cancer-predisposing syndrome. Also called: Tumor predisposition; Neoplastic Syndromes, Hereditary; Hereditary Cancer Syndrome; Hereditary neoplastic syndrome. Identifiers: Orphanet 140162, MedGen C0027672, MeSH D009386, MONDO:0015356.
Birt-Hogg-Dube syndrome. Also called: Birt Hogg Dubé syndrome. Identifiers: Orphanet 122, MedGen C0346010, MONDO:0800444.
Birt-Hogg-Dube syndrome 1 (BHD1). Also called: FIBROFOLLICULOMAS WITH TRICHODISCOMAS AND ACROCHORDONS. Identifiers: Orphanet 122, MedGen CN375946, MONDO:0800445, OMIM 135150.

Allele frequency attached by ClinVar (database versions not stated): TOPMed below 0.00001; gnomAD 0.00001; ExAC 0.00002.

Submissions (3):

Labcorp Genetics (formerly Invitae), Labcorp
Classification: Likely benign for Birt-Hogg-Dube syndrome. Last evaluated: 2026-01-30. Review status: criteria provided, single submitter. Criteria: Invitae Variant Classification Sherloc (09022015). Collection method: clinical testing. Allele origin: germline.

Myriad Genetics, Inc.
Classification: Benign for Birt-Hogg-Dube syndrome 1. Last evaluated: 2024-10-23. Review status: criteria provided, single submitter. Criteria: Myriad Autosomal Dominant, Autosomal Recessive and X-Linked Classification Criteria (2023). Collection method: clinical testing. Allele origin: unknown.
Comment: This variant is considered benign. This variant is a silent/synonymous amino acid change and it is not expected to impact splicing.

Ambry Genetics
Classification: Benign for Hereditary cancer-predisposing syndrome. Last evaluated: 2022-02-22. Review status: criteria provided, single submitter. Criteria: Ambry Variant Classification Scheme 2023. Collection method: clinical testing. Allele origin: germline.

NM_144997.7(FLCN):c.873T>C (p.Asp291=)

Gene: FLCN (folliculin; minus strand). Cytogenetic location: 17p11.2.
Variant type: single nucleotide variant.
Coding change: c.873T>C on transcript NM_144997.7 (MANE Select); coding-DNA position 873, T replaced by C.
Protein change: p.Asp291=; no amino-acid change (aspartic acid 291 retained).
Molecular consequence: synonymous variant.
Genome position (GRCh38, 1-based): chr17:17,219,208, A>G on the plus strand (T>C on the coding strand, the complement: FLCN is on the minus strand). VCF-style: chr17-17219208-A-G. GRCh37 (hg19) VCF-style: chr17-17122522-A-G.
Other names: c.927T>C, p.Asp309= (NM_001353229.2); c.873T>C, p.Asp291= (NM_001353230.2, NM_001353231.2).
Identifiers: ClinVar variation 1088145 (VCV001088145.10), dbSNP rs767527483, ClinGen allele CA8416202.